The following is an entry in ClinVar:

ClinVar aggregate classification (germline): Uncertain significance. Review status: criteria provided, multiple submitters, no conflicts (2 of 4 stars). 2 submissions from 2 submitters: Uncertain significance (2). Last evaluated 2025-06-03.

Conditions:
Hereditary cancer-predisposing syndrome. Also called: Neoplastic Syndromes, Hereditary; Tumor predisposition; Hereditary Cancer Syndrome; Hereditary neoplastic syndrome. Identifiers: Orphanet 140162, MedGen C0027672, MeSH D009386, MONDO:0015356.

Submissions (2):

Ambry Genetics
Classification: Uncertain significance for Hereditary cancer-predisposing syndrome. Last evaluated: 2025-06-03. Review status: criteria provided, single submitter. Criteria: Ambry Variant Classification Scheme 2023. Collection method: clinical testing. Allele origin: germline.
Comment: The p.Q1808H variant (also known as c.5424G>C), located in coding exon 40 of the POLE gene, results from a G to C substitution at nucleotide position 5424. The glutamine at codon 1808 is replaced by histidine, an amino acid with highly similar properties. This amino acid position is conserved. In addition, the in silico prediction for this alteration is inconclusive. Based on the available evidence, the clinical significance of this variant remains unclear.

Labcorp Genetics (formerly Invitae), Labcorp
Classification: Uncertain significance. Last evaluated: 2023-03-04. Review status: criteria provided, single submitter. Criteria: Invitae Variant Classification Sherloc (09022015). Collection method: clinical testing. Allele origin: germline.
Comment: In summary, the available evidence is currently insufficient to determine the role of this variant in disease. Therefore, it has been classified as a Variant of Uncertain Significance. Advanced modeling of protein sequence and biophysical properties (such as structural, functional, and spatial information, amino acid conservation, physicochemical variation, residue mobility, and thermodynamic stability) performed at Invitae indicates that this missense variant is not expected to disrupt POLE protein function. ClinVar contains an entry for this variant (Variation ID: 473731). This variant has not been reported in the literature in individuals affected with POLE-related conditions. This variant is not present in population databases (gnomAD no frequency). This sequence change replaces glutamine, which is neutral and polar, with histidine, which is basic and polar, at codon 1808 of the POLE protein (p.Gln1808His).

NM_006231.4(POLE):c.5424G>C (p.Gln1808His)

Gene: POLE (DNA polymerase epsilon, catalytic subunit; minus strand). Cytogenetic location: 12q24.33.
Variant type: single nucleotide variant.
Coding change: c.5424G>C on transcript NM_006231.4 (MANE Select); coding-DNA position 5424, G replaced by C.
Protein change: p.Gln1808His; replaces glutamine 1808 with histidine.
Molecular consequence: missense variant.
Genome position (GRCh38, 1-based): chr12:132,639,253, C>G on the plus strand (G>C on the coding strand, the complement: POLE is on the minus strand). VCF-style: chr12-132639253-C-G. GRCh37 (hg19) VCF-style: chr12-133215839-C-G.
Other names: c.5424G>C (NM_006231.2); short protein forms Q1808H.
Identifiers: ClinVar variation 473731 (VCV000473731.5), dbSNP rs1555221929, ClinGen allele CA387374933.